The following is an entry in ClinVar:

NM_015915.5(ATL1):c.757G>A (p.Val253Ile)

Gene: ATL1 (atlastin GTPase 1; plus strand). Cytogenetic location: 14q22.1.
Variant type: single nucleotide variant.
Coding change: c.757G>A on transcript NM_015915.5 (MANE Select); coding-DNA position 757, G replaced by A.
Protein change: p.Val253Ile; replaces valine 253 with isoleucine.
Molecular consequence: missense variant.
Genome position (GRCh38, 1-based): chr14:50,614,406, G>A. VCF-style: chr14-50614406-G-A. GRCh37 (hg19) VCF-style: chr14-51081124-G-A.
Other names: c.757G>A, p.Val253Ile (NM_001127713.1, NM_181598.4); short protein forms V253I.
Identifiers: ClinVar variation 220424 (VCV000220424.75), dbSNP rs864622520, ClinGen allele CA350143.

ClinVar aggregate classification (germline): Pathogenic/Likely pathogenic. Review status: criteria provided, multiple submitters, no conflicts (2 of 4 stars). 10 submissions from 10 submitters: Pathogenic (5); Likely pathogenic (4). 1 of the submissions does not count toward it. Last evaluated 2025-12-29.

Conditions:
Hereditary spastic paraplegia. Also called: Familial spastic paraparesis. Identifiers: Orphanet 685, MedGen C0037773, MONDO:0019064. Disease mechanism: loss of function.
Hereditary spastic paraplegia 3A (SPG3A). Also called: SPG3; STRUMPELL DISEASE; Spastic Paraplegia 3A; Spastic paraplegia 3A, autosomal dominant; SPASTIC PARAPLEGIA 3, AUTOSOMAL DOMINANT; FAMILIAL SPASTIC PARAPLEGIA, AUTOSOMAL DOMINANT, 1. Identifiers: Orphanet 100984, MedGen C2931355, MONDO:0008437, OMIM 182600.

Allele frequency attached by ClinVar (database versions not stated): gnomAD exomes below 0.00001.
gnomAD v4.1: 1 of 1,614,008 alleles (0.000062%); highest among the groups gnomAD compares: African/African-American, 0.0013%; no homozygotes.

Submissions (10):

GeneDx
Classification: Likely pathogenic. Last evaluated: 2025-12-29. Review status: criteria provided, single submitter. Criteria: GeneDx Variant Classification Process June 2021. Collection method: clinical testing. Allele origin: germline. Affected: yes.
Comment: Not observed at significant frequency in large population cohorts (gnomAD); In silico analysis suggests that this missense variant does not alter protein structure/function; This variant is associated with the following publications: (PMID: 20932283, 26208798, 15596607, 34782662, 17285536, 34015694, 20718791, 16401858, 31236401, 36359747, 35578252, 24604904, 31594988, 27751653, 34983064, 32277485, 40527196, 23334294)

Labcorp Genetics (formerly Invitae), Labcorp
Classification: Pathogenic for Hereditary spastic paraplegia 3A. Last evaluated: 2025-06-06. Review status: criteria provided, single submitter. Criteria: Invitae Variant Classification Sherloc (09022015). Collection method: clinical testing. Allele origin: germline.
Comment: This sequence change replaces valine, which is neutral and non-polar, with isoleucine, which is neutral and non-polar, at codon 253 of the ATL1 protein (p.Val253Ile). This variant is not present in population databases (gnomAD no frequency). This missense change has been observed in individuals with autosomal dominant hereditary spastic paraplegia (PMID: 15596607, 16401858, 17285536, 20932283, 24604904, 26208798). It has also been observed to segregate with disease in related individuals. ClinVar contains an entry for this variant (Variation ID: 220424). Invitae Evidence Modeling of protein sequence and biophysical properties (such as structural, functional, and spatial information, amino acid conservation, physicochemical variation, residue mobility, and thermodynamic stability) has been performed for this missense variant. However, the output from this modeling did not meet the statistical confidence thresholds required to predict the impact of this variant on ATL1 protein function. For these reasons, this variant has been classified as Pathogenic.

Mayo Clinic Laboratories, Mayo Clinic
Classification: Pathogenic. Last evaluated: 2023-11-22. Review status: criteria provided, single submitter. Criteria: ACMG Guidelines, 2015. Collection method: clinical testing. Allele origin: germline. Observed: 3 variant alleles.
Comment: PP1, PP4, PM1, PM2_moderate, PS4

CeGaT Center for Human Genetics Tuebingen
Classification: Likely pathogenic. Last evaluated: 2022-12-01. Review status: criteria provided, single submitter. Criteria: CeGaT Center For Human Genetics Tuebingen Variant Classification Criteria Version 2. Collection method: clinical testing. Allele origin: germline. Affected: yes. Observed: 3 variant alleles.
Comment: ATL1: PM1, PM2, PS4:Moderate

Genome Diagnostics Laboratory, The Hospital for Sick Children
Classification: Pathogenic for Hereditary spastic paraplegia. Last evaluated: 2022-01-14. Review status: criteria provided, single submitter. Criteria: ACMG Guidelines, 2015. Collection method: clinical testing. Allele origin: germline. Affected: yes.

Revvity Omics, Revvity
Classification: Likely pathogenic. Last evaluated: 2021-11-18. Review status: criteria provided, single submitter. Criteria: ACMG Guidelines, 2015. Collection method: clinical testing. Allele origin: germline.

Institute of Medical Genetics and Applied Genomics, University Hospital Tübingen
Classification: Pathogenic. Last evaluated: 2020-10-23. Review status: criteria provided, single submitter. Criteria: ACMG Guidelines, 2015. Collection method: clinical testing. Allele origin: germline. Inheritance: Autosomal dominant inheritance. Affected: yes.

Institute for Medical Genetics and Human Genetics, Charité - Universitätsmedizin Berlin
Classification: Likely pathogenic for Hereditary spastic paraplegia 3A. Review status: criteria provided, single submitter. Criteria: ACMG Guidelines, 2015. Collection method: not provided. Allele origin: germline. Inheritance: Autosomal dominant inheritance. Affected: yes.

Paris Brain Institute, Inserm - ICM
Classification: Pathogenic for Hereditary spastic paraplegia 3A. Review status: criteria provided, single submitter. Criteria: ACMG Guidelines, 2015. Collection method: clinical testing. Allele origin: unknown. Affected: yes. Observed: 4 variant alleles.

Inherited Neuropathy Consortium Ii, University Of Miami
Classification: Uncertain significance for Hereditary spastic paraplegia 3A. Last evaluated: 2016-01-06. Review status: no assertion criteria provided. Collection method: literature only. Allele origin: germline. Affected: yes. Not counted in ClinVar's aggregate classification.

Literature cited by the submitters: PubMed 15596607 (cited by Labcorp Genetics (formerly Invitae), Labcorp and Mayo Clinic Laboratories, Mayo Clinic); PubMed 16401858 (cited by Labcorp Genetics (formerly Invitae), Labcorp); PubMed 17285536 (cited by Labcorp Genetics (formerly Invitae), Labcorp); PubMed 20932283 (cited by Labcorp Genetics (formerly Invitae), Labcorp); PubMed 24604904 (cited by Labcorp Genetics (formerly Invitae), Labcorp and Mayo Clinic Laboratories, Mayo Clinic); PubMed 26208798 (cited by Labcorp Genetics (formerly Invitae), Labcorp); PubMed 27751653 (cited by Inherited Neuropathy Consortium Ii, University Of Miami).